The following is an entry in ClinVar:

ClinVar aggregate classification (germline): Uncertain significance (1 of 4 stars; one submission).

Allele frequency attached by ClinVar (database versions not stated): ExAC 0.00001.

Submission:

Labcorp Genetics (formerly Invitae), Labcorp
Classification: Uncertain significance. Last evaluated: 2024-01-17. Review status: criteria provided, single submitter. Criteria: Invitae Variant Classification Sherloc (09022015). Collection method: clinical testing. Allele origin: germline.
Comment: This sequence change replaces valine, which is neutral and non-polar, with methionine, which is neutral and non-polar, at codon 178 of the CYP7A1 protein (p.Val178Met). This variant is present in population databases (rs768561553, gnomAD 0.003%). This variant has not been reported in the literature in individuals affected with CYP7A1-related conditions. Advanced modeling of protein sequence and biophysical properties (such as structural, functional, and spatial information, amino acid conservation, physicochemical variation, residue mobility, and thermodynamic stability) performed at Invitae indicates that this missense variant is not expected to disrupt CYP7A1 protein function with a negative predictive value of 80%. In summary, the available evidence is currently insufficient to determine the role of this variant in disease. Therefore, it has been classified as a Variant of Uncertain Significance.

NM_000780.4(CYP7A1):c.532G>A (p.Val178Met)

Gene: CYP7A1 (cytochrome P450 family 7 subfamily A member 1; minus strand). Cytogenetic location: 8q12.1.
Variant type: single nucleotide variant.
Coding change: c.532G>A on transcript NM_000780.4 (MANE Select); coding-DNA position 532, G replaced by A.
Protein change: p.Val178Met; replaces valine 178 with methionine.
Molecular consequence: missense variant.
Genome position (GRCh38, 1-based): chr8:58,496,980, C>T on the plus strand (G>A on the coding strand, the complement: CYP7A1 is on the minus strand). VCF-style: chr8-58496980-C-T. GRCh37 (hg19) VCF-style: chr8-59409539-C-T.
Other names: short protein forms V178M.
Identifiers: ClinVar variation 2798394 (VCV002798394.3), dbSNP rs768561553, ClinGen allele CA4756783.